The following is an entry in ClinVar:

ClinVar aggregate classification (germline): Uncertain significance (1 of 4 stars; one submission).

Submission:

Labcorp Genetics (formerly Invitae), Labcorp
Classification: Uncertain significance. Last evaluated: 2022-03-11. Review status: criteria provided, single submitter. Criteria: Invitae Variant Classification Sherloc (09022015). Collection method: clinical testing. Allele origin: germline.
Comment: In summary, the available evidence is currently insufficient to determine the role of this variant in disease. Therefore, it has been classified as a Variant of Uncertain Significance. Algorithms developed to predict the effect of missense changes on protein structure and function are either unavailable or do not agree on the potential impact of this missense change (SIFT: "Deleterious"; PolyPhen-2: "Not Available"; Align-GVGD: "Class C0"). This variant has not been reported in the literature in individuals affected with CDH23-related conditions. This variant is not present in population databases (gnomAD no frequency). This sequence change replaces serine, which is neutral and polar, with threonine, which is neutral and polar, at codon 3265 of the CDH23 protein (p.Ser3265Thr).

NM_022124.6(CDH23):c.9794G>C (p.Ser3265Thr)

Gene: CDH23 (cadherin related 23; plus strand). Cytogenetic location: 10q22.1.
Variant type: single nucleotide variant.
Coding change: c.9794G>C on transcript NM_022124.6 (MANE Select); coding-DNA position 9794, G replaced by C.
Protein change: p.Ser3265Thr; replaces serine 3265 with threonine.
Molecular consequence: missense variant.
Genome position (GRCh38, 1-based): chr10:71,815,007, G>C. VCF-style: chr10-71815007-G-C. GRCh37 (hg19) VCF-style: chr10-73574764-G-C.
Other names: c.3074G>C, p.Ser1025Thr (NM_001171933.1); c.2969G>C, p.Ser990Thr (NM_001171934.1); c.485G>C, p.Ser162Thr (NM_001171935.1); c.380G>C, p.Ser127Thr (NM_001171936.1); short protein forms S1025T, S990T, S127T, S162T, S3265T.
Identifiers: ClinVar variation 2109564 (VCV002109564.4), dbSNP rs2494474766, ClinGen allele CA377138005.